The following is an entry in ClinVar:

ClinVar aggregate classification (germline): Likely benign. Review status: criteria provided, multiple submitters, no conflicts (2 of 4 stars). 2 submissions from 2 submitters: Likely benign (2). Last evaluated 2026-09-01.

Allele frequency attached by ClinVar (database versions not stated): ExAC 0.00004; gnomAD 0.00004 and 0.00006; gnomAD exomes 0.00004 and 0.00005; TOPMed 0.00005; ESP Exome Variant Server 0.00008; 1000 Genomes Project 0.00040; 1000 Genomes Project 30x 0.00047.
gnomAD v4.1: 62 of 1,612,706 alleles (0.0038%); highest among the groups gnomAD compares: Admixed American, 0.013%; no homozygotes.

Submissions (2):

CeGaT Center for Human Genetics Tuebingen
Classification: Likely benign. Last evaluated: 2026-09-01. Review status: criteria provided, single submitter. Criteria: CeGaT Center For Human Genetics Tuebingen Variant Classification Criteria Version 2. Collection method: clinical testing. Allele origin: germline. Affected: yes. Observed: 1 variant allele.
Comment: AGPS: BP4, BP7

Labcorp Genetics (formerly Invitae), Labcorp
Classification: Likely benign. Last evaluated: 2024-03-07. Review status: criteria provided, single submitter. Criteria: Invitae Variant Classification Sherloc (09022015). Collection method: clinical testing. Allele origin: germline.

NM_003659.4(AGPS):c.1629T>C (p.Asn543=)

Gene: AGPS (alkylglycerone phosphate synthase; plus strand). Cytogenetic location: 2q31.2.
Variant type: single nucleotide variant.
Coding change: c.1629T>C on transcript NM_003659.4 (MANE Select); coding-DNA position 1629, T replaced by C.
Protein change: p.Asn543=; no amino-acid change (asparagine 543 retained).
Molecular consequence: synonymous variant.
Genome position (GRCh38, 1-based): chr2:177,513,840, T>C. VCF-style: chr2-177513840-T-C. GRCh37 (hg19) VCF-style: chr2-178378568-T-C.
Identifiers: ClinVar variation 1145187 (VCV001145187.10), dbSNP rs144502265, ClinGen allele CA1980395.
Genomic context (GRCh38, chr2:177,513,840, plus strand): 5'-CTTGAAAACTTAATATTGTATTCATTTATCTTTTTTTAGGGTGGTAGATCTCTGTAGAAA[T>C]GTAAAAGAAAGAATAACAAGGGAATGCAAAGAGAAGGGTGTTCAGTTTGCTCCTTTTTCT-3'
Protein context (NP_003650.1, residues 533-553): PWDRVVDLCR[Asn543=]VKERITRECK